The following is an entry in ClinVar:

NM_001457.4(FLNB):c.1942-2_1945del

Gene: FLNB (filamin B; plus strand). Cytogenetic location: 3p14.3.
Variant type: Deletion.
Coding change: c.1942-2_1945del on transcript NM_001457.4 (MANE Select); the canonical splice acceptor site of the intron before coding-DNA position 1942 through coding-DNA position 1945, 6 bases deleted (AGGTTC; older notation c.1942-2_1945delAGGTTC).
Molecular consequence: splice acceptor variant.
Genome position (GRCh38, 1-based): chr3:58,108,456-58,108,461, AGGTTC deleted; deleting any 6 consecutive bases within chr3:58,108,453-58,108,461 gives the same sequence; the c. name uses the placement nearest the transcript's 3' end. VCF-style (leftmost placement, unchanged base first): chr3-58108452-CTTCAGG-C. GRCh37 (hg19) VCF-style: chr3-58094179-CTTCAGG-C.
Other names: c.1942-2_1945del (NM_001164317.2, NM_001164318.2, NM_001164319.2).
Identifiers: ClinVar variation 2828249 (VCV002828249.3), dbSNP rs2471081688, ClinGen allele CA2739278967.

ClinVar aggregate classification (germline): Likely pathogenic (1 of 4 stars; one submission).

Submission:

Labcorp Genetics (formerly Invitae), Labcorp
Classification: Likely pathogenic. Last evaluated: 2023-02-02. Review status: criteria provided, single submitter. Criteria: Invitae Variant Classification Sherloc (09022015). Collection method: clinical testing. Allele origin: germline.
Comment: This variant has not been reported in the literature in individuals affected with FLNB-related conditions. This variant results in the deletion of part of exon 13 (c.1942-2_1945del) of the FLNB gene. It is expected to disrupt RNA splicing. Variants that disrupt the donor or acceptor splice site typically lead to a loss of protein function (PMID: 16199547), and loss-of-function variants in FLNB are known to be pathogenic (PMID: 14991055). This variant is not present in population databases (gnomAD no frequency). Algorithms developed to predict the effect of sequence changes on RNA splicing suggest that this variant may disrupt the consensus splice site. In summary, the currently available evidence indicates that the variant is pathogenic, but additional data are needed to prove that conclusively. Therefore, this variant has been classified as Likely Pathogenic.

Literature cited by the submitters: PubMed 16199547; PubMed 14991055.